The following is an entry in ClinVar:

ClinVar aggregate classification (germline): Benign/Likely benign. Review status: criteria provided, multiple submitters, no conflicts (2 of 4 stars). 6 submissions from 6 submitters: Benign (3); Likely benign (3). Last evaluated 2025-12-03.

Conditions:
FRONTOTEMPORAL LOBAR DEGENERATION WITH TDP43 INCLUSIONS, TARDBP-RELATED. Also called: Frontotemporal lobar degeneration, TARDBP-related. Identifiers: MedGen C3150169, OMIM 612069.
Amyotrophic lateral sclerosis type 10 (ALS10). Also called: AMYOTROPHIC LATERAL SCLEROSIS 10 WITHOUT FRONTOTEMPORAL DEMENTIA AND WITH TDP43 INCLUSIONS; AMYOTROPHIC LATERAL SCLEROSIS 10 WITH OR WITHOUT FRONTOTEMPORAL DEMENTIA AND WITH TDP43 INCLUSIONS; TARDBP-Related Amyotrophic Lateral Sclerosis-Frontotemporal Dementia; Amyotrophic lateral sclerosis 10, with or without FTD; AMYOTROPHIC LATERAL SCLEROSIS 10 WITH OR WITHOUT FRONTOTEMPORAL DEMENTIA. Identifiers: Orphanet 275872, Orphanet 803, MedGen C2677565, MONDO:0012790, OMIM 612069.
Inborn genetic diseases. Identifiers: MedGen C0950123, MeSH D030342.

Allele frequency attached by ClinVar (database versions not stated): gnomAD 0.00019; TOPMed 0.00034; 1000 Genomes Project 30x 0.00250; 1000 Genomes Project 0.00280.
gnomAD v4.1: 786 of 1,597,750 alleles (0.049%); highest among the groups gnomAD compares: East Asian, 1.7%; 4 homozygotes.

Submissions (6):

Labcorp Genetics (formerly Invitae), Labcorp
Classification: Benign for Amyotrophic lateral sclerosis type 10; FRONTOTEMPORAL LOBAR DEGENERATION WITH TDP43 INCLUSIONS, TARDBP-RELATED. Last evaluated: 2025-12-03. Review status: criteria provided, single submitter. Criteria: Invitae Variant Classification Sherloc (09022015). Collection method: clinical testing. Allele origin: germline.

Blueprint Genetics
Classification: Likely benign. Last evaluated: 2024-09-18. Review status: criteria provided, single submitter. Criteria: ACMG Guidelines, 2015. Collection method: clinical testing. Allele origin: germline.

Ambry Genetics
Classification: Likely benign for Inborn genetic diseases. Last evaluated: 2022-06-14. Review status: criteria provided, single submitter. Criteria: Ambry Variant Classification Scheme 2023. Collection method: clinical testing. Allele origin: germline.

CeGaT Center for Human Genetics Tuebingen
Classification: Benign. Last evaluated: 2022-03-01. Review status: criteria provided, single submitter. Criteria: CeGaT Center For Human Genetics Tuebingen Variant Classification Criteria Version 2. Collection method: clinical testing. Allele origin: germline. Affected: yes. Observed: 1 variant allele.
Comment: TARDBP: BS1, BS2

Illumina Laboratory Services, Illumina
Classification: Likely benign for Amyotrophic lateral sclerosis type 10. Last evaluated: 2017-04-27. Review status: criteria provided, single submitter. Criteria: ICSL Variant Classification Criteria 13 December 2019. Collection method: clinical testing. Allele origin: germline.
Comment: This variant was observed as part of a predisposition screen in an ostensibly healthy population. A literature search was performed for the gene, cDNA change, and amino acid change (where applicable). No publications were found based on this search. Allele frequency data from public databases allowed determination this variant is unlikely to cause disease. Therefore, this variant is classified as likely benign.

Athena Diagnostics
Classification: Benign. Last evaluated: 2017-02-13. Review status: criteria provided, single submitter. Criteria: Athena Diagnostics Criteria. Collection method: clinical testing. Allele origin: germline.

Literature cited by the submitters: PubMed 20708823 (cited by Athena Diagnostics); PubMed 22575358 (cited by Athena Diagnostics); PubMed 20675015 (cited by Athena Diagnostics); PubMed 19411082 (cited by Athena Diagnostics); PubMed 20082726 (cited by Athena Diagnostics).

NM_007375.4(TARDBP):c.1098C>G (p.Ala366=)

Gene: TARDBP (TAR DNA binding protein; plus strand). Cytogenetic location: 1p36.22.
Variant type: single nucleotide variant.
Coding change: c.1098C>G on transcript NM_007375.4 (MANE Select); coding-DNA position 1098, C replaced by G.
Protein change: p.Ala366=; no amino-acid change (alanine 366 retained).
Molecular consequence: synonymous variant.
Genome position (GRCh38, 1-based): chr1:11,022,507, C>G. VCF-style: chr1-11022507-C-G. GRCh37 (hg19) VCF-style: chr1-11082564-C-G.
Identifiers: ClinVar variation 291740 (VCV000291740.43), dbSNP rs148325203, ClinGen allele CA586484.
Genomic context (GRCh38, chr1:11,022,507, plus strand): 5'-GTCAGGCCCATCGGGTAATAACCAAAACCAAGGCAACATGCAGAGGGAGCCAAACCAGGC[C>G]TTCGGTTCTGGAAATAACTCTTATAGTGGCTCTAATTCTGGTGCAGCAATTGGTTGGGGA-3'
Protein context (NP_031401.1, residues 356-376): QGNMQREPNQ[Ala366=]FGSGNNSYSG